The following is an entry in ClinVar:

NM_005431.2(XRCC2):c.462T>C (p.Phe154=)

Gene: XRCC2 (X-ray repair cross complementing 2; minus strand). Cytogenetic location: 7q36.1.
Variant type: single nucleotide variant.
Coding change: c.462T>C on transcript NM_005431.2 (MANE Select); coding-DNA position 462, T replaced by C.
Protein change: p.Phe154=; no amino-acid change (phenylalanine 154 retained).
Molecular consequence: synonymous variant.
Genome position (GRCh38, 1-based): chr7:152,649,023, A>G on the plus strand (T>C on the coding strand, the complement: XRCC2 is on the minus strand). VCF-style: chr7-152649023-A-G. GRCh37 (hg19) VCF-style: chr7-152346108-A-G.
Identifiers: ClinVar variation 486730 (VCV000486730.17), dbSNP rs139923743, ClinGen allele CA4582343.

ClinVar aggregate classification (germline): Benign/Likely benign. Review status: criteria provided, multiple submitters, no conflicts (2 of 4 stars). 4 submissions from 4 submitters: Benign (1); Likely benign (2). 1 of the submissions does not count toward it. Last evaluated 2025-07-17.

Conditions:
XRCC2-related disorder. Also called: XRCC2-related condition.
Hereditary cancer-predisposing syndrome. Also called: Tumor predisposition; Hereditary Cancer Syndrome; Hereditary neoplastic syndrome; Neoplastic Syndromes, Hereditary. Identifiers: Orphanet 140162, MedGen C0027672, MeSH D009386, MONDO:0015356.

Allele frequency attached by ClinVar (database versions not stated): ExAC 0.00001; gnomAD exomes 0.00002; gnomAD 0.00003 and 0.00004; TOPMed 0.00003; ESP Exome Variant Server 0.00008.
gnomAD v4.1: 13 of 1,614,112 alleles (0.00081%); highest among the groups gnomAD compares: Admixed American, 0.01%; no homozygotes.

Submissions (4):

Quest Diagnostics Nichols Institute San Juan Capistrano
Classification: Benign. Last evaluated: 2025-07-17. Review status: criteria provided, single submitter. Criteria: Quest Diagnostics criteria. Collection method: clinical testing. Allele origin: unknown.

Labcorp Genetics (formerly Invitae), Labcorp
Classification: Likely benign. Last evaluated: 2023-09-12. Review status: criteria provided, single submitter. Criteria: Invitae Variant Classification Sherloc (09022015). Collection method: clinical testing. Allele origin: germline.

Ambry Genetics
Classification: Likely benign for Hereditary cancer-predisposing syndrome. Last evaluated: 2017-05-31. Review status: criteria provided, single submitter. Criteria: Ambry Variant Classification Scheme 2023. Collection method: clinical testing. Allele origin: germline.

PreventionGenetics, part of Exact Sciences
Classification: Likely benign for XRCC2-related condition. Last evaluated: 2020-05-27. Review status: no assertion criteria provided. Collection method: clinical testing. Allele origin: germline. Not counted in ClinVar's aggregate classification.
Comment: This variant is classified as likely benign based on ACMG/AMP sequence variant interpretation guidelines (Richards et al. 2015 PMID: 25741868, with internal and published modifications).